The following is an entry in ClinVar:

NM_000179.3(MSH6):c.3021G>A (p.Trp1007Ter)

Gene: MSH6 (mutS homolog 6; plus strand). Cytogenetic location: 2p16.3.
Variant type: single nucleotide variant.
Coding change: c.3021G>A on transcript NM_000179.3 (MANE Select); coding-DNA position 3021, G replaced by A.
Protein change: p.Trp1007Ter; replaces tryptophan 1007 with a stop codon.
Molecular consequence: nonsense.
Genome position (GRCh38, 1-based): chr2:47,801,004, G>A. VCF-style: chr2-47801004-G-A. GRCh37 (hg19) VCF-style: chr2-48028143-G-A.
Other names: c.2631G>A, p.Trp877Ter (NM_001281492.2); c.2115G>A, p.Trp705Ter (NM_001281493.2, NM_001281494.2); short protein forms W1007*, W705*, W877*.
Identifiers: ClinVar variation 655407 (VCV000655407.13), dbSNP rs587779253, ClinGen allele CA346756440.

ClinVar aggregate classification (germline): Pathogenic/Likely pathogenic. Review status: criteria provided, multiple submitters, no conflicts (2 of 4 stars). 4 submissions from 4 submitters: Pathogenic (3); Likely pathogenic (1). Last evaluated 2024-01-03.

Conditions:
Hereditary nonpolyposis colorectal neoplasms. Identifiers: MedGen C0009405, MeSH D003123.
Endometrial carcinoma. Also called: Endometrial carcinoma, somatic. Identifiers: MedGen C0476089, MONDO:0002447, OMIM 608089, HP:0012114.
Hereditary cancer-predisposing syndrome. Also called: Hereditary neoplastic syndrome; Tumor predisposition; Neoplastic Syndromes, Hereditary; Hereditary Cancer Syndrome. Identifiers: Orphanet 140162, MedGen C0027672, MeSH D009386, MONDO:0015356.
Lynch syndrome 5 (LYNCH5). Also called: Hereditary non-polyposis colorectal cancer, type 5; Colorectal cancer, hereditary nonpolyposis, type 5. Identifiers: Orphanet 144, MedGen C1833477, MONDO:0013710, OMIM 614350. Disease mechanism: loss of function.

Submissions (4):

Baylor Genetics
Classification: Likely pathogenic for Endometrial carcinoma. Last evaluated: 2024-01-03. Review status: criteria provided, single submitter. Criteria: ACMG Guidelines, 2015. Collection method: clinical testing. Allele origin: unknown.

Myriad Genetics, Inc.
Classification: Pathogenic for Lynch syndrome 5. Last evaluated: 2023-08-22. Review status: criteria provided, single submitter. Criteria: Myriad Autosomal Dominant, Autosomal Recessive and X-Linked Classification Criteria (2023). Collection method: clinical testing. Allele origin: unknown.
Comment: This variant is considered pathogenic. This variant creates a termination codon and is predicted to result in premature protein truncation.

Ambry Genetics
Classification: Pathogenic for Hereditary cancer-predisposing syndrome. Last evaluated: 2022-09-21. Review status: criteria provided, single submitter. Criteria: Ambry Variant Classification Scheme 2023. Collection method: clinical testing. Allele origin: germline.
Comment: The p.W1007* pathogenic mutation (also known as c.3021G>A), located in coding exon 4 of the MSH6 gene, results from a G to A substitution at nucleotide position 3021. This changes the amino acid from a tryptophan to a stop codon within coding exon 4. This variant is considered to be rare based on population cohorts in the Genome Aggregation Database (gnomAD). This alteration is expected to result in loss of function by premature protein truncation or nonsense-mediated mRNA decay. As such, this alteration is interpreted as a disease-causing mutation.

Labcorp Genetics (formerly Invitae), Labcorp
Classification: Pathogenic for Hereditary nonpolyposis colorectal neoplasms. Last evaluated: 2020-11-11. Review status: criteria provided, single submitter. Criteria: Invitae Variant Classification Sherloc (09022015). Collection method: clinical testing. Allele origin: germline.
Comment: This sequence change creates a premature translational stop signal (p.Trp1007*) in the MSH6 gene. It is expected to result in an absent or disrupted protein product. This variant is not present in population databases (ExAC no frequency). This variant has not been reported in the literature in individuals with MSH6-related disease. Loss-of-function variants in MSH6 are known to be pathogenic (PMID: 18269114, 24362816). For these reasons, this variant has been classified as Pathogenic.

Literature cited by the submitters: PubMed 18269114 (cited by Labcorp Genetics (formerly Invitae), Labcorp); PubMed 24362816 (cited by Labcorp Genetics (formerly Invitae), Labcorp).